The following is an entry in ClinVar:

NM_001375380.1(EBF3):c.486-1G>A

Gene: EBF3 (EBF transcription factor 3; minus strand). Cytogenetic location: 10q26.3.
Variant type: single nucleotide variant.
Coding change: c.486-1G>A on transcript NM_001375380.1 (MANE Select); the canonical splice acceptor site of the intron before coding-DNA position 486, G replaced by A.
Molecular consequence: splice acceptor variant.
Genome position (GRCh38, 1-based): chr10:129,957,327, C>T on the plus strand (G>A on the coding strand, the complement: EBF3 is on the minus strand). VCF-style: chr10-129957327-C-T. GRCh37 (hg19) VCF-style: chr10-131755591-C-T.
Other names: c.486-1G>A (NM_001375392.1, NM_001005463.3, NM_001375390.1 and 3 more transcripts).
Identifiers: ClinVar variation 430927 (VCV000430927.6), dbSNP rs1131692258, ClinGen allele CA378910583.

ClinVar aggregate classification (germline): Pathogenic. Review status: criteria provided, multiple submitters, no conflicts (2 of 4 stars). 3 submissions from 3 submitters: Pathogenic (3). Last evaluated 2022-07-11.

Conditions:
Hypotonia, ataxia, and delayed development syndrome (HADDS). Also called: EBF3 Neurodevelopmental Disorder. Identifiers: Orphanet 658843, MedGen C4310618, MONDO:0015021, OMIM 617330.
Intellectual disability. Also called: Intellectual developmental disorder; Intellectual functioning disability; intellectual disabilities. Identifiers: MedGen C3714756, MeSH D008607, MONDO:0001071, HP:0001249.

Submissions (3):

Revvity Omics, Revvity
Classification: Pathogenic for Hypotonia, ataxia, and delayed development syndrome. Last evaluated: 2022-07-11. Review status: criteria provided, single submitter. Criteria: ACMG Guidelines, 2015. Collection method: clinical testing. Allele origin: germline.

Cambridge Genomics Laboratory, East Genomic Laboratory Hub, NHS Genomic Medicine Service
Classification: Pathogenic for Intellectual disability. Last evaluated: 2019-08-28. Review status: criteria provided, single submitter. Criteria: ACGS Best Practice Guidelines for Variant Classification in Rare Disease 2020. Collection method: clinical testing. Allele origin: germline. Affected: yes. Observed: 1 variant allele.

GeneDx
Classification: Pathogenic. Last evaluated: 2017-07-11. Review status: criteria provided, single submitter. Criteria: GeneDx Variant Classification (06012015). Collection method: clinical testing. Allele origin: germline. Affected: yes.
Comment: The c.486-1G>A variant in the EBF3 gene has been observed in internal GeneDx whole exome sequencing data in association with intellectual disability, autistic features, hypotonia, short stature, vermis hypoplasia, and facial dysmorphism. This splice site variant destroys the canonical splice acceptor site in intron 5, which is predicted to cause abnormal gene splicing. The c.486-1G>A variant is not observed in large population cohorts (Lek et al., 2016; 1000 Genomes Consortium et al., 2015; Exome Variant Server). We interpret c.486-1G>A as a pathogenic variant.